The following is an entry in ClinVar:

ClinVar aggregate classification (germline): Benign. Review status: criteria provided, multiple submitters, no conflicts (2 of 4 stars). 3 submissions from 3 submitters: Benign (2). 1 of the submissions does not count toward it. Last evaluated 2026-02-01.

Conditions:
FAT2-related disorder. Also called: FAT2-related condition.

Allele frequency attached by ClinVar (database versions not stated): 1000 Genomes Project 30x 0.09744; gnomAD exomes 0.18604 and 0.16026; 1000 Genomes Project 0.09665; TOPMed 0.14473; gnomAD 0.14673 and 0.14424; ESP Exome Variant Server 0.15193; ExAC 0.15698.
gnomAD v4.1: 293,861 of 1,613,664 alleles (18%); highest among the groups gnomAD compares: Middle Eastern, 21%; 28,964 homozygotes.

Submissions (3):

Labcorp Genetics (formerly Invitae), Labcorp
Classification: Benign. Last evaluated: 2026-02-01. Review status: criteria provided, single submitter. Criteria: Invitae Variant Classification Sherloc (09022015). Collection method: clinical testing. Allele origin: germline.

GeneDx
Classification: Benign. Last evaluated: 2021-05-04. Review status: criteria provided, single submitter. Criteria: GeneDx Variant Classification Process June 2021. Collection method: clinical testing. Allele origin: germline. Affected: yes.

PreventionGenetics, part of Exact Sciences
Classification: Benign for FAT2-related condition. Last evaluated: 2019-10-28. Review status: no assertion criteria provided. Collection method: clinical testing. Allele origin: germline. Not counted in ClinVar's aggregate classification.
Comment: This variant is classified as benign based on ACMG/AMP sequence variant interpretation guidelines (Richards et al. 2015 PMID: 25741868, with internal and published modifications).

NM_001447.3(FAT2):c.9952C>T (p.Arg3318Trp)

Genes: FAT2 (FAT atypical cadherin 2; minus strand), SLC36A1 (solute carrier family 36 member 1; plus strand). Cytogenetic location: 5q33.1.
Variant type: single nucleotide variant.
Coding change: c.9952C>T on transcript NM_001447.3 (MANE Select); coding-DNA position 9952, C replaced by T.
Protein change: p.Arg3318Trp; replaces arginine 3318 with tryptophan.
Molecular consequence: missense variant.
Genome position (GRCh38, 1-based): chr5:151,529,252, G>A on the plus strand (C>T on the coding strand, the complement: FAT2 is on the minus strand). VCF-style: chr5-151529252-G-A. GRCh37 (hg19) VCF-style: chr5-150908813-G-A.
Other names: short protein forms R3318W.
Identifiers: ClinVar variation 1269345 (VCV001269345.8), dbSNP rs2304024, ClinGen allele CA3520415.